The following is an entry in ClinVar:

ClinVar aggregate classification (germline): Uncertain significance. Review status: criteria provided, multiple submitters, no conflicts (2 of 4 stars). 2 submissions from 2 submitters: Uncertain significance (2). Last evaluated 2024-06-10.

Submissions (2):

Women's Health and Genetics/Laboratory Corporation of America, LabCorp
Classification: Uncertain significance. Last evaluated: 2024-06-10. Review status: criteria provided, single submitter. Criteria: LabCorp Variant Classification Summary - May 2015. Collection method: clinical testing. Allele origin: germline.
Comment: Variant summary: APTX c.-111G>A is located in the untranslated mRNA region upstream of the initiation codon. Several computational tools predict a significant impact on normal splicing: Four predict the variant weakens a 5' donor site. However, these predictions have yet to be confirmed by functional studies. The variant allele was found at a frequency of 1.6e-05 in 251040 control chromosomes. The available data on variant occurrences in the general population are insufficient to allow any conclusion about variant significance. To our knowledge, no occurrence of c.-111G>A in individuals affected with Ataxia, Early-Onset, With Oculomotor Apraxia And Hypoalbuminemia and no experimental evidence demonstrating its impact on protein function have been reported. No submitters have cited clinical-significance assessments for this variant to ClinVar. Based on the evidence outlined above, the variant was classified as uncertain significance.

Blueprint Genetics
Classification: Uncertain significance. Last evaluated: 2023-12-08. Review status: criteria provided, single submitter. Criteria: ACMG Guidelines, 2015. Collection method: clinical testing. Allele origin: germline.

NM_001195248.2(APTX):c.-5G>A

Gene: APTX (aprataxin; minus strand). Cytogenetic location: 9p21.1.
Variant type: single nucleotide variant.
Coding change: c.-5G>A on transcript NM_001195248.2 (MANE Select); 5 bases upstream of the start codon, G replaced by A.
Molecular consequence: 5 prime UTR variant. On other transcripts: non-coding transcript variant (5), intron variant (8).
Genome position (GRCh38, 1-based): chr9:33,001,567, C>T on the plus strand (G>A on the coding strand, the complement: APTX is on the minus strand). VCF-style: chr9-33001567-C-T. GRCh37 (hg19) VCF-style: chr9-33001565-C-T.
Other names: c.-239G>A (NM_001195249.2); c.-5G>A (NM_001195250.2, NM_001195252.2, NM_175069.3); c.-111G>A (NM_001195251.2, NM_175073.3); c.-56G>A (NM_001195254.2, NM_001368998.1); c.-222G>A (NM_001369004.1); c.-370G>A (NM_001369005.1); c.-264G>A (NM_001369006.1, NM_001370669.1); c.-315G>A (NM_001370670.1); and 3 more.
Identifiers: ClinVar variation 3339643 (VCV003339643.2).